The following is an entry in ClinVar:

NM_000138.5(FBN1):c.7079A>T (p.Lys2360Ile)

Gene: FBN1 (fibrillin 1; minus strand). Cytogenetic location: 15q21.1.
Variant type: single nucleotide variant.
Coding change: c.7079A>T on transcript NM_000138.5 (MANE Select); coding-DNA position 7079, A replaced by T.
Protein change: p.Lys2360Ile; replaces lysine 2360 with isoleucine.
Molecular consequence: missense variant.
Genome position (GRCh38, 1-based): chr15:48,427,692, T>A on the plus strand (A>T on the coding strand, the complement: FBN1 is on the minus strand). VCF-style: chr15-48427692-T-A. GRCh37 (hg19) VCF-style: chr15-48719889-T-A.
Other names: c.7079A>T, p.Lys2360Ile (NM_001406716.1); short protein forms K2360I.
Identifiers: ClinVar variation 4690167 (VCV004690167.1).

ClinVar aggregate classification (germline): Uncertain significance (1 of 4 stars; one submission).

Submission:

GeneDx
Classification: Uncertain significance. Last evaluated: 2025-08-01. Review status: criteria provided, single submitter. Criteria: GeneDx Variant Classification Process June 2021. Collection method: clinical testing. Allele origin: germline. Affected: yes.
Comment: Not observed at significant frequency in large population cohorts (gnomAD); In silico analysis supports that this missense variant has a deleterious effect on protein structure/function; Has not been previously published as pathogenic or benign to our knowledge; Does not affect a cysteine or calcium-binding residue within an EGF-like domain or a TGF-binding protein domain of the FBN1 gene; cysteine substitutions in the EGF-like domains represent the majority of pathogenic missense changes associated with FBN1-related disorders (PMID: 12938084); This variant is associated with the following publications: (PMID: 12938084)